The following is an entry in ClinVar:

ClinVar aggregate classification (germline): Likely pathogenic (1 of 4 stars; one submission).

Conditions:
Deficiency of galactokinase. Also called: Galactokinase deficiency with cataracts; GALACTOSEMIA II. Identifiers: Orphanet 352, Orphanet 79237, MedGen C0268155, MONDO:0009255, OMIM 230200.

Submission:

Natera, Inc.
Classification: Likely pathogenic for Deficiency of galactokinase. Last evaluated: 2024-05-31. Review status: criteria provided, single submitter. Criteria: Natera Variant Classification Schema (03/2026). Collection method: clinical testing. Allele origin: germline.
Comment: The c.890_897del variant in GALK1 is a frameshift variant predicted to shift the reading frame beginning at codon 297 and leads to a stop codon 20 codons downstream. This variant is expected to result in nonsense mediated decay, truncation, or a dysfunctional protein product. This variant is rare in the general population with a frequency below the threshold expected for the associated phenotype(s). Given the available evidence, this variant is classified as Likely Pathogenic.

NM_000154.2(GALK1):c.890_897del (p.Arg297fs)

Gene: GALK1 (galactokinase 1; minus strand). Cytogenetic location: 17q25.1.
Variant type: Deletion.
Coding change: c.890_897del on transcript NM_000154.2 (MANE Select); coding-DNA positions 890 to 897, 8 bases deleted (GTGGCGAC; older notation c.890_897delGTGGCGAC).
Protein change: p.Arg297fs; shifts the reading frame from arginine 297.
Molecular consequence: frameshift variant.
Genome position (GRCh38, 1-based): chr17:75,758,496-75,758,503, GTCGCCAC deleted on the plus strand (GTGGCGAC on the coding strand, the reverse complement: GALK1 is on the minus strand); deleting any 8 consecutive bases within chr17:75,758,496-75,758,506 gives the same sequence; the c. name uses the placement nearest the transcript's 3' end. VCF-style (leftmost placement, unchanged base first): chr17-75758495-AGTCGCCAC-A. GRCh37 (hg19) VCF-style: chr17-73754576-AGTCGCCAC-A.
Other names: c.890_897del, p.Arg297fs (NM_001381985.1); short protein forms R297fs.
Identifiers: ClinVar variation 4817616 (VCV004817616.1).